The following is an entry in ClinVar:

NM_001649.4(SHROOM2):c.1426G>C (p.Gly476Arg)

Gene: SHROOM2 (shroom family member 2; plus strand). Cytogenetic location: Xp22.2.
Variant type: single nucleotide variant.
Coding change: c.1426G>C on transcript NM_001649.4 (MANE Select); coding-DNA position 1426, G replaced by C.
Protein change: p.Gly476Arg; replaces glycine 476 with arginine.
Molecular consequence: missense variant.
Genome position (GRCh38, 1-based): chrX:9,895,334, G>C. VCF-style: chrX-9895334-G-C. GRCh37 (hg19) VCF-style: chrX-9863374-G-C.
Other names: short protein forms G476R.
Identifiers: ClinVar variation 3044496 (VCV003044496.2), dbSNP rs201256775, ClinGen allele CA10345390.

ClinVar aggregate classification (germline): Benign (0 of 4 stars; one submission).

Conditions:
SHROOM2-related disorder. Also called: SHROOM2-related condition.

Allele frequency attached by ClinVar (database versions not stated): ExAC 0.00180; 1000 Genomes Project 30x 0.00354; 1000 Genomes Project 0.00371.
gnomAD v4.1: 635 of 1,171,662 alleles (0.054%); highest among the groups gnomAD compares: East Asian, 1.2%; 12 homozygotes.

Submission:

PreventionGenetics, part of Exact Sciences
Classification: Benign for SHROOM2-related condition. Last evaluated: 2019-05-28. Review status: no assertion criteria provided. Collection method: clinical testing. Allele origin: germline.
Comment: This variant is classified as benign based on ACMG/AMP sequence variant interpretation guidelines (Richards et al. 2015 PMID: 25741868, with internal and published modifications).